The following is an entry in ClinVar:

ClinVar aggregate classification (germline): Benign/Likely benign. Review status: criteria provided, multiple submitters, no conflicts (2 of 4 stars). 4 submissions from 4 submitters: Benign (1); Likely benign (1). 2 of the submissions do not count toward it. Last evaluated 2025-11-15.

Conditions:
COL4A5-related disorder. Also called: COL4A5-related condition.
X-linked Alport syndrome (ATS1). Also called: NEPHROPATHY AND DEAFNESS, X-LINKED; COL4A5-Related Nephropathy. Identifiers: Orphanet 63, Orphanet 88917, MedGen C4746986, MONDO:0010520, OMIM 301050.

Allele frequency attached by ClinVar (database versions not stated): TOPMed 0.00013; ESP Exome Variant Server 0.00028; gnomAD 0.00099 and 0.00108; gnomAD exomes 0.00101 and 0.00151; ExAC 0.00170; 1000 Genomes Project 30x 0.00271; 1000 Genomes Project 0.00291.
gnomAD v4.1: 1,188 of 1,192,874 alleles (0.1%); highest among the groups gnomAD compares: East Asian, 1.4%; 12 homozygotes.

Submissions (4):

Labcorp Genetics (formerly Invitae), Labcorp
Classification: Benign. Last evaluated: 2025-11-15. Review status: criteria provided, single submitter. Criteria: Invitae Variant Classification Sherloc (09022015). Collection method: clinical testing. Allele origin: germline.

Blueprint Genetics
Classification: Likely benign. Last evaluated: 2024-07-02. Review status: criteria provided, single submitter. Criteria: ACMG Guidelines, 2015. Collection method: clinical testing. Allele origin: germline.

PreventionGenetics, part of Exact Sciences
Classification: Benign for COL4A5-related condition. Last evaluated: 2020-02-19. Review status: no assertion criteria provided. Collection method: clinical testing. Allele origin: germline. Not counted in ClinVar's aggregate classification.
Comment: This variant is classified as benign based on ACMG/AMP sequence variant interpretation guidelines (Richards et al. 2015 PMID: 25741868, with internal and published modifications).

Natera, Inc.
Classification: Likely benign for X-linked Alport syndrome. Last evaluated: 2020-02-11. Review status: no assertion criteria provided. Collection method: clinical testing. Allele origin: germline. Not counted in ClinVar's aggregate classification.

NM_033380.3(COL4A5):c.580A>G (p.Ile194Val)

Gene: COL4A5 (collagen type IV alpha 5 chain; plus strand). Cytogenetic location: Xq22.3.
Variant type: single nucleotide variant.
Coding change: c.580A>G on transcript NM_033380.3 (MANE Select); coding-DNA position 580, A replaced by G.
Protein change: p.Ile194Val; replaces isoleucine 194 with valine.
Molecular consequence: missense variant.
Genome position (GRCh38, 1-based): chrX:108,575,943, A>G. VCF-style: chrX-108575943-A-G. GRCh37 (hg19) VCF-style: chrX-107819173-A-G.
Other names: c.580A>G, p.Ile194Val (NM_000495.5); short protein forms I194V.
Identifiers: ClinVar variation 772107 (VCV000772107.15), dbSNP rs145970300, ClinGen allele CA10488511.